The following is an entry in ClinVar:

ClinVar aggregate classification (germline): Uncertain significance (1 of 4 stars; one submission).

Submission:

Labcorp Genetics (formerly Invitae), Labcorp
Classification: Uncertain significance. Last evaluated: 2020-12-05. Review status: criteria provided, single submitter. Criteria: Invitae Variant Classification Sherloc (09022015). Collection method: clinical testing. Allele origin: germline.
Comment: This variant, c.2050_2055del, results in the deletion of 2 amino acid(s) of the PHEX protein (p.Phe684_Phe685del), but otherwise preserves the integrity of the reading frame. This variant is not present in population databases (ExAC no frequency). This variant has been observed in individual(s) with hypophosphatemic rickets (Invitae). Experimental studies and prediction algorithms are not available or were not evaluated, and the functional significance of this variant is currently unknown. In summary, the available evidence is currently insufficient to determine the role of this variant in disease. Therefore, it has been classified as a Variant of Uncertain Significance.

NM_000444.6(PHEX):c.2050_2055del (p.Phe684_Phe685del)

Genes: PHEX (phosphate regulating endopeptidase X-linked; plus strand), PTCHD1-AS (PTCHD1 and PHEX antisense RNA; minus strand). Cytogenetic location: Xp22.11.
Variant type: Deletion.
Coding change: c.2050_2055del on transcript NM_000444.6 (MANE Select); coding-DNA positions 2050 to 2055, 6 bases deleted (TTCTTC; older notation c.2050_2055delTTCTTC).
Protein change: p.Phe684_Phe685del.
Molecular consequence: inframe deletion. On other transcripts: non-coding transcript variant (1).
Genome position (GRCh38, 1-based): chrX:22,227,591-22,227,596, TTCTTC deleted; deleting any 6 consecutive bases within chrX:22,227,589-22,227,596 gives the same sequence; the c. name uses the placement nearest the transcript's 3' end. VCF-style (leftmost placement, unchanged base first): chrX-22227588-CTCTTCT-C. GRCh37 (hg19) VCF-style: chrX-22245705-CTCTTCT-C.
Other names: c.2050_2055del, p.Phe684_Phe685del (NM_001282754.2).
Identifiers: ClinVar variation 1466367 (VCV001466367.8), dbSNP rs1935552095, ClinGen allele CA2573158556.
Genomic context (GRCh38, chrX:22,227,588, plus strand): 5'-GACAGAAGGCAGGGACTTGAGGAGCCTCTTCTACCAGGCATCACATTCACCAACAACCAG[CTCTTCT>C]TCCTGAGTTATGCTCATGTGAGTAGACTGAGGAAGGGGCATCAGGGATGAGATGCAGGAC-3'